The following is an entry in ClinVar:

ClinVar aggregate classification (germline): Uncertain significance (1 of 4 stars; one submission).

gnomAD v4.1: 1 of 1,614,218 alleles (0.000062%); highest among the groups gnomAD compares: Non-Finnish European, 0.000085%; no homozygotes.

Submission:

Labcorp Genetics (formerly Invitae), Labcorp
Classification: Uncertain significance. Last evaluated: 2024-09-26. Review status: criteria provided, single submitter. Criteria: Invitae Variant Classification Sherloc (09022015). Collection method: clinical testing. Allele origin: germline.
Comment: This sequence change replaces isoleucine, which is neutral and non-polar, with valine, which is neutral and non-polar, at codon 221 of the ADNP protein (p.Ile221Val). This variant is not present in population databases (gnomAD no frequency). This variant has not been reported in the literature in individuals affected with ADNP-related conditions. An algorithm developed to predict the effect of missense changes on protein structure and function (PolyPhen-2) suggests that this variant is likely to be disruptive. In summary, the available evidence is currently insufficient to determine the role of this variant in disease. Therefore, it has been classified as a Variant of Uncertain Significance.

NM_001282531.3(ADNP):c.661A>G (p.Ile221Val)

Gene: ADNP (activity dependent neuroprotector homeobox; minus strand). Cytogenetic location: 20q13.13.
Variant type: single nucleotide variant.
Coding change: c.661A>G on transcript NM_001282531.3 (MANE Select); coding-DNA position 661, A replaced by G.
Protein change: p.Ile221Val; replaces isoleucine 221 with valine.
Molecular consequence: missense variant.
Genome position (GRCh38, 1-based): chr20:50,894,053, T>C on the plus strand (A>G on the coding strand, the complement: ADNP is on the minus strand). VCF-style: chr20-50894053-T-C. GRCh37 (hg19) VCF-style: chr20-49510590-T-C.
Other names: c.661A>G, p.Ile221Val (NM_001282532.2, NM_001347511.2, NM_015339.5 and 1 more transcripts); short protein forms I221V.
Identifiers: ClinVar variation 3677103 (VCV003677103.2).